The following is an entry in ClinVar:

NM_006267.5(RANBP2):c.9220G>A (p.Gly3074Ser)

Gene: RANBP2 (RAN binding protein 2; plus strand). Cytogenetic location: 2q13.
Variant type: single nucleotide variant.
Coding change: c.9220G>A on transcript NM_006267.5 (MANE Select); coding-DNA position 9220, G replaced by A.
Protein change: p.Gly3074Ser; replaces glycine 3074 with serine.
Molecular consequence: missense variant.
Genome position (GRCh38, 1-based): chr2:108,782,713, G>A. VCF-style: chr2-108782713-G-A. GRCh37 (hg19) VCF-style: chr2-109399169-G-A.
Other names: short protein forms G3074S.
Identifiers: ClinVar variation 645967 (VCV000645967.6), dbSNP rs753643539, ClinGen allele CA1823987.

ClinVar aggregate classification (germline): Uncertain significance. Review status: criteria provided, multiple submitters, no conflicts (2 of 4 stars). 2 submissions from 2 submitters: Uncertain significance (2). Last evaluated 2022-10-25.

Conditions:
Familial acute necrotizing encephalopathy (IIAE3). Also called: Susceptibility to Acute Necrotizing Encephalopathy 1; ENCEPHALOPATHY, ACUTE, INFECTION-INDUCED, SUSCEPTIBILITY TO, 3. Identifiers: Orphanet 88619, MedGen C2675556, MONDO:0011953, OMIM 608033.

Allele frequency attached by ClinVar (database versions not stated): gnomAD exomes 0.00001; ExAC 0.00002; gnomAD 0.00002; TOPMed 0.00002.
gnomAD v4.1: 22 of 1,614,024 alleles (0.0014%); highest among the groups gnomAD compares: Admixed American, 0.005%; no homozygotes.

Submissions (2):

GeneDx
Classification: Uncertain significance. Last evaluated: 2022-10-25. Review status: criteria provided, single submitter. Criteria: GeneDx Variant Classification Process June 2021. Collection method: clinical testing. Allele origin: germline. Affected: yes.
Comment: In silico analysis supports that this missense variant does not alter protein structure/function; Has not been previously published as pathogenic or benign to our knowledge

Labcorp Genetics (formerly Invitae), Labcorp
Classification: Uncertain significance for Familial acute necrotizing encephalopathy. Last evaluated: 2022-01-07. Review status: criteria provided, single submitter. Criteria: Invitae Variant Classification Sherloc (09022015). Collection method: clinical testing. Allele origin: germline.
Comment: In summary, the available evidence is currently insufficient to determine the role of this variant in disease. Therefore, it has been classified as a Variant of Uncertain Significance. Algorithms developed to predict the effect of sequence changes on RNA splicing suggest that this variant may create or strengthen a splice site. Algorithms developed to predict the effect of missense changes on protein structure and function output the following: SIFT: "Tolerated"; PolyPhen-2: "Benign"; Align-GVGD: "Class C0". The serine amino acid residue is found in multiple mammalian species, which suggests that this missense change does not adversely affect protein function. ClinVar contains an entry for this variant (Variation ID: 645967). This variant has not been reported in the literature in individuals affected with RANBP2-related conditions. The frequency data for this variant in the population databases is considered unreliable, as metrics indicate poor data quality at this position in the gnomAD database. This sequence change replaces glycine, which is neutral and non-polar, with serine, which is neutral and polar, at codon 3074 of the RANBP2 protein (p.Gly3074Ser).